The following is an entry in ClinVar:

ClinVar aggregate classification (germline): Benign. Review status: criteria provided, multiple submitters, no conflicts (2 of 4 stars). 3 submissions from 3 submitters: Benign (3). Last evaluated 2026-02-02.

Conditions:
Cardiomyopathy (CMYO). Also called: Cardiomyopathies. Identifiers: Orphanet 167848, MedGen C0878544, MONDO:0004994, HP:0001638. Inheritance: Various modes of inheritance.
Primary dilated cardiomyopathy (DCM). Also called: Dilated Cardiomyopathy. Identifiers: Orphanet 217604, MedGen C0007193, MeSH D002311, MONDO:0005021, HP:0001644. Inheritance: Various modes of inheritance.

Allele frequency attached by ClinVar (database versions not stated): 1000 Genomes Project 0.00499; gnomAD exomes 0.00112 and 0.00043; ExAC 0.00136; 1000 Genomes Project 30x 0.00609; ESP Exome Variant Server 0.00477; TOPMed 0.00482; gnomAD 0.00456 and 0.00421.
gnomAD v4.1: 1,287 of 1,610,242 alleles (0.08%); highest among the groups gnomAD compares: African/African-American, 1.5%; 12 homozygotes.

Submissions (6):

Labcorp Genetics (formerly Invitae), Labcorp
Classification: Benign for Primary dilated cardiomyopathy. Last evaluated: 2026-02-02. Review status: criteria provided, single submitter. Criteria: Invitae Variant Classification Sherloc (09022015). Collection method: clinical testing. Allele origin: germline.

CHEO Genetics Diagnostic Laboratory, Children's Hospital of Eastern Ontario
Classification: Benign for Cardiomyopathy. Last evaluated: 2016-06-14. Review status: criteria provided, single submitter. Criteria: ACMG Guidelines, 2015. Collection method: clinical testing. Allele origin: germline. Study: Canadian Open Genetics Repository.

Laboratory for Molecular Medicine, Mass General Brigham Personalized Medicine
Classification: Benign. Last evaluated: 2012-03-16. Review status: criteria provided, single submitter. Criteria: LMM Criteria. Collection method: clinical testing. Allele origin: germline. Observed: 11 variant alleles.
Comment: 689-10C>G in intron 5 of FHL2: This variant is not expected to have clinical sig nificance because it is not located within the splice consensus sequence and has been identified in 1.3% (52/3738) of African American chromosomes from a broad population by the NHLBI Exome Sequencing Project (VS; dbSNP rs115841332).

Dr. Peter K. Rogan Lab, Western University
No classification provided (evidence only). Condition: Uterine corpus endometrial carcinoma. Review status: no classification provided. Collection method: in vitro. Allele origin: not applicable. Functional consequence: retained intron. Not counted in ClinVar's aggregate classification.

Dr. Peter K. Rogan Lab, Western University
No classification provided (evidence only). Condition: Cervical cancer. Review status: no classification provided. Collection method: in vitro. Allele origin: not applicable. Functional consequence: retained intron. Not counted in ClinVar's aggregate classification.

Dr. Peter K. Rogan Lab, Western University
No classification provided (evidence only). Condition: Uterine carcinosarcoma. Review status: no classification provided. Collection method: in vitro. Allele origin: not applicable. Functional consequence: retained intron. Not counted in ClinVar's aggregate classification.

NM_001318895.3(FHL2):c.689-10C>G

Genes: TSLIG2 (tRNA splicing ligase complex subunit 2; plus strand), FHL2 (four and a half LIM domains 2; minus strand). Cytogenetic location: 2q12.2.
Variant type: single nucleotide variant.
Coding change: c.689-10C>G on transcript NM_001318895.3 (MANE Select); 10 bases into the intron before coding-DNA position 689, C replaced by G.
Molecular consequence: intron variant.
Genome position (GRCh38, 1-based): chr2:105,361,444, G>C on the plus strand (C>G on the coding strand, the complement: FHL2 is on the minus strand). VCF-style: chr2-105361444-G-C. GRCh37 (hg19) VCF-style: chr2-105977901-G-C.
Other names: c.689-10C>G (NM_201557.5, NM_001318894.1, NM_201555.3 and 4 more transcripts); c.347-10C>G (NM_001318897.2, NM_001318898.2); c.365-10C>G (NM_001318899.2).
Identifiers: ClinVar variation 48328 (VCV000048328.16), dbSNP rs115841332, ClinGen allele CA143188.
Genomic context (GRCh38, chr2:105,361,444, plus strand): 5'-CGTTATGCCACTGCCGTTCCTCAAAGGAGATGTATTTTGTGCCACCAAGTCCTGTTAACA[G>C]AGAGAAAATAATACCGGATGAAGAAAGTTAGAATCAGGCAACTGGGACTGAAGAAGGAAT-3'